The following is an entry in ClinVar:

ClinVar aggregate classification (germline): Benign/Likely benign. Review status: criteria provided, multiple submitters, no conflicts (2 of 4 stars). 4 submissions from 4 submitters: Benign (1); Likely benign (3). Last evaluated 2025-10-28.

Conditions:
HNRNPU-related disorder. Also called: HNRNPU-related condition.
Developmental and epileptic encephalopathy, 54. Also called: Epileptic encephalopathy, early infantile, 54; HNRNPU-Related Neurodevelopmental Disorder. Identifiers: MedGen C4479319, MONDO:0033363, OMIM 617391.
Inborn genetic diseases. Identifiers: MedGen C0950123, MeSH D030342.

Allele frequency attached by ClinVar (database versions not stated): gnomAD exomes 0.00002 and 0.00011; gnomAD 0.00006 and 0.00007; TOPMed 0.00009; ExAC 0.00014.
gnomAD v4.1: 42 of 1,586,734 alleles (0.0026%); highest among the groups gnomAD compares: Admixed American, 0.07%; 1 homozygote.

Submissions (4):

Labcorp Genetics (formerly Invitae), Labcorp
Classification: Likely benign for Developmental and epileptic encephalopathy, 54. Last evaluated: 2025-10-28. Review status: criteria provided, single submitter. Criteria: Invitae Variant Classification Sherloc (09022015). Collection method: clinical testing. Allele origin: germline.

Ambry Genetics
Classification: Likely benign for Inborn genetic diseases. Last evaluated: 2025-07-21. Review status: criteria provided, single submitter. Criteria: Ambry Variant Classification Scheme 2023. Collection method: clinical testing. Allele origin: germline.

PreventionGenetics, part of Exact Sciences
Classification: Likely benign for HNRNPU-related condition. Last evaluated: 2025-04-19. Review status: criteria provided, single submitter. Criteria: ACMG Guidelines, 2015. Collection method: clinical testing. Allele origin: germline.
Comment: This variant is classified as likely benign based on ACMG/AMP sequence variant interpretation guidelines (Richards et al. 2015 PMID: 25741868, with internal and published modifications).

GeneDx
Classification: Benign. Last evaluated: 2020-03-10. Review status: criteria provided, single submitter. Criteria: GeneDx Variant Classification Process June 2021. Collection method: clinical testing. Allele origin: germline. Affected: yes.

NM_031844.3(HNRNPU):c.1208A>C (p.Asn403Thr)

Gene: HNRNPU (heterogeneous nuclear ribonucleoprotein U; minus strand). Cytogenetic location: 1q44.
Variant type: single nucleotide variant.
Coding change: c.1208A>C on transcript NM_031844.3 (MANE Select); coding-DNA position 1208, A replaced by C.
Protein change: p.Asn403Thr; replaces asparagine 403 with threonine.
Molecular consequence: missense variant.
Genome position (GRCh38, 1-based): chr1:244,858,751, T>G on the plus strand (A>C on the coding strand, the complement: HNRNPU is on the minus strand). VCF-style: chr1-244858751-T-G. GRCh37 (hg19) VCF-style: chr1-245022053-T-G.
Other names: c.1151A>C, p.Asn384Thr (NM_004501.3); short protein forms N403T, N384T.
Identifiers: ClinVar variation 737792 (VCV000737792.14), dbSNP rs767181341, ClinGen allele CA1486540.